The following is an entry in ClinVar:

NM_015602.4(TOR1AIP1):c.304A>G (p.Ser102Gly)

Genes: TOR1AIP1 (torsin 1A interacting protein 1; plus strand), LOC112577517 (Sharpr-MPRA regulatory region 13766; plus strand). Cytogenetic location: 1q25.2.
Variant type: single nucleotide variant.
Coding change: c.304A>G on transcript NM_015602.4 (MANE Select); coding-DNA position 304, A replaced by G.
Protein change: p.Ser102Gly; replaces serine 102 with glycine.
Molecular consequence: missense variant.
Genome position (GRCh38, 1-based): chr1:179,882,806, A>G. VCF-style: chr1-179882806-A-G. GRCh37 (hg19) VCF-style: chr1-179851941-A-G.
Other names: c.304A>G, p.Ser102Gly (NM_001267578.2); short protein forms S102G.
Identifiers: ClinVar variation 2107618 (VCV002107618.4), dbSNP rs2526559796, ClinGen allele CA343578034.

ClinVar aggregate classification (germline): Uncertain significance (1 of 4 stars; one submission).

Conditions:
Autosomal recessive limb-girdle muscular dystrophy type 2Y (MRRSDC). Also called: Muscular dystrophy, limb-girdle, type 2y; Muscular dystrophy, autosomal recessive, with rigid spine and distal joint contractures. Identifiers: Orphanet 424261, MedGen C4511482, MONDO:0014900, OMIM 617072.

Submission:

Labcorp Genetics (formerly Invitae), Labcorp
Classification: Uncertain significance for Autosomal recessive limb-girdle muscular dystrophy type 2Y. Last evaluated: 2022-05-30. Review status: criteria provided, single submitter. Criteria: Invitae Variant Classification Sherloc (09022015). Collection method: clinical testing. Allele origin: germline.
Comment: In summary, the available evidence is currently insufficient to determine the role of this variant in disease. Therefore, it has been classified as a Variant of Uncertain Significance. Algorithms developed to predict the effect of missense changes on protein structure and function are either unavailable or do not agree on the potential impact of this missense change (SIFT: "Tolerated"; PolyPhen-2: "Possibly Damaging"; Align-GVGD: "Class C0"). This variant has not been reported in the literature in individuals affected with TOR1AIP1-related conditions. This variant is not present in population databases (gnomAD no frequency). This sequence change replaces serine, which is neutral and polar, with glycine, which is neutral and non-polar, at codon 102 of the TOR1AIP1 protein (p.Ser102Gly).